The following is an entry in ClinVar:

NM_002282.3(KRT83):c.790G>A (p.Val264Met)

Gene: KRT83 (keratin 83; minus strand). Cytogenetic location: 12q13.13.
Variant type: single nucleotide variant.
Coding change: c.790G>A on transcript NM_002282.3 (MANE Select); coding-DNA position 790, G replaced by A.
Protein change: p.Val264Met; replaces valine 264 with methionine.
Molecular consequence: missense variant.
Genome position (GRCh38, 1-based): chr12:52,316,984, C>T on the plus strand (G>A on the coding strand, the complement: KRT83 is on the minus strand). VCF-style: chr12-52316984-C-T. GRCh37 (hg19) VCF-style: chr12-52710768-C-T.
Other names: short protein forms V264M.
Identifiers: ClinVar variation 880710 (VCV000880710.9), dbSNP rs201459857, ClinGen allele CA6577519.

ClinVar aggregate classification (germline): Conflicting classifications of pathogenicity. Review status: criteria provided, conflicting classifications (1 of 4 stars). 4 submissions from 4 submitters: Uncertain significance (1); Benign (3). Last evaluated 2024-01-25.

Conditions:
Monilethrix. Also called: Beaded hair. Identifiers: Orphanet 573, MedGen C0546966, MONDO:0008009, HP:0032470.

Allele frequency attached by ClinVar (database versions not stated): gnomAD 0.00012; gnomAD exomes 0.00012 and 0.00025; ESP Exome Variant Server 0.00015; ExAC 0.00016; TOPMed 0.00017.

Submissions (4):

Labcorp Genetics (formerly Invitae), Labcorp
Classification: Benign. Last evaluated: 2024-01-25. Review status: criteria provided, single submitter. Criteria: Invitae Variant Classification Sherloc (09022015). Collection method: clinical testing. Allele origin: germline.

Ambry Genetics
Classification: Uncertain significance. Last evaluated: 2021-10-05. Review status: criteria provided, single submitter. Criteria: Ambry Variant Classification Scheme 2023. Collection method: clinical testing. Allele origin: germline.

Illumina Laboratory Services, Illumina
Classification: Benign for Monilethrix-1. Last evaluated: 2018-01-12. Review status: criteria provided, single submitter. Criteria: ICSL Variant Classification Criteria 13 December 2019. Collection method: clinical testing. Allele origin: germline.
Comment: This variant was observed in the ICSL laboratory as part of a predisposition screen in an ostensibly healthy population. It had not been previously curated by ICSL or reported in the Human Gene Mutation Database (HGMD: prior to June 1st, 2018), and was therefore a candidate for classification through an automated scoring system. Utilizing variant allele frequency, disease prevalence and penetrance estimates, and inheritance mode, an automated score was calculated to assess if this variant is too frequent to cause the disease. Based on the score and internal cut-off values, a variant classified as benign is not then subjected to further curation. The score for this variant resulted in a classification of benign for this disease.

Breakthrough Genomics
Classification: Benign. Review status: criteria provided, single submitter. Criteria: ACMG Guidelines, 2015. Collection method: not provided. Allele origin: germline. Inheritance: Autosomal recessive inheritance. Affected: yes.